The following is an entry in ClinVar:

NM_001291415.2(KDM6A):c.343G>A (p.Ala115Thr)

Gene: KDM6A (lysine demethylase 6A; plus strand). Cytogenetic location: Xp11.3.
Variant type: single nucleotide variant.
Coding change: c.343G>A on transcript NM_001291415.2 (MANE Select); coding-DNA position 343, G replaced by A.
Protein change: p.Ala115Thr; replaces alanine 115 with threonine.
Molecular consequence: missense variant. On other transcripts: 5 prime UTR variant (1), non-coding transcript variant (1).
Genome position (GRCh38, 1-based): chrX:44,974,674, G>A. VCF-style: chrX-44974674-G-A. GRCh37 (hg19) VCF-style: chrX-44833919-G-A.
Other names: c.343G>A, p.Ala115Thr (NM_001291416.2, NM_001291417.2, NM_001291418.2 and 1 more transcripts); c.-290G>A (NM_001291421.2); short protein forms A115T.
Identifiers: ClinVar variation 987874 (VCV000987874.6), dbSNP rs2039532932, ClinGen allele CA413021362.

ClinVar aggregate classification (germline): Uncertain significance. Review status: criteria provided, multiple submitters, no conflicts (2 of 4 stars). 2 submissions from 2 submitters: Uncertain significance (2). Last evaluated 2021-11-01.

Submissions (2):

GeneDx
Classification: Uncertain significance. Last evaluated: 2021-11-01. Review status: criteria provided, single submitter. Criteria: GeneDx Variant Classification Process June 2021. Collection method: clinical testing. Allele origin: germline. Affected: yes.
Comment: Has not been previously published as pathogenic or benign to our knowledge; In silico analysis supports that this missense variant has a deleterious effect on protein structure/function; Not observed at significant frequency in large population cohorts (Lek et al., 2016)

Women's Health and Genetics/Laboratory Corporation of America, LabCorp
Classification: Uncertain significance. Last evaluated: 2020-11-12. Review status: criteria provided, single submitter. Criteria: LabCorp Variant Classification Summary - May 2015. Collection method: clinical testing. Allele origin: germline.
Comment: Variant summary: KDM6A c.343G>A (p.Ala115Thr) results in a non-conservative amino acid change located in the Tetratricopeptide repeat-containing domain (IPR013026) of the encoded protein sequence. Five of five in-silico tools predict a damaging effect of the variant on protein function. The variant was absent in 183238 control chromosomes (gnomAD). The available data on variant occurrences in the general population are insufficient to allow any conclusion about variant significance. To our knowledge, no occurrence of c.343G>A in individuals affected with Kabuki Syndrome 2 and no experimental evidence demonstrating its impact on protein function have been reported. No clinical diagnostic laboratories have submitted clinical-significance assessments for this variant to ClinVar after 2014. Based on the evidence outlined above, the variant was classified as uncertain significance.